The following is an entry in ClinVar:

NM_001369.3(DNAH5):c.12557A>G (p.Tyr4186Cys)

Gene: DNAH5 (dynein axonemal heavy chain 5; minus strand). Cytogenetic location: 5p15.2.
Variant type: single nucleotide variant.
Coding change: c.12557A>G on transcript NM_001369.3 (MANE Select); coding-DNA position 12557, A replaced by G.
Protein change: p.Tyr4186Cys; replaces tyrosine 4186 with cysteine.
Molecular consequence: missense variant.
Genome position (GRCh38, 1-based): chr5:13,717,463, T>C on the plus strand (A>G on the coding strand, the complement: DNAH5 is on the minus strand). VCF-style: chr5-13717463-T-C. GRCh37 (hg19) VCF-style: chr5-13717572-T-C.
Other names: short protein forms Y4186C.
Identifiers: ClinVar variation 835593 (VCV000835593.14), dbSNP rs368413636, ClinGen allele CA113919268.

ClinVar aggregate classification (germline): Uncertain significance. Review status: criteria provided, single submitter (1 of 4 stars). 2 submissions from 2 submitters: Uncertain significance (1). 1 of the submissions does not count toward it. Last evaluated 2022-11-15.

Conditions:
Primary ciliary dyskinesia. Also called: Ciliary dyskinesia. Identifiers: Orphanet 244, MedGen C0008780, MONDO:0016575, HP:0012265.

Allele frequency attached by ClinVar (database versions not stated): gnomAD exomes below 0.00001; TOPMed below 0.00001; ESP Exome Variant Server 0.00008.
gnomAD v4.1: 5 of 1,614,172 alleles (0.00031%); highest among the groups gnomAD compares: Non-Finnish European, 0.00042%; no homozygotes.

Submissions (2):

Labcorp Genetics (formerly Invitae), Labcorp
Classification: Uncertain significance for Primary ciliary dyskinesia. Last evaluated: 2022-11-15. Review status: criteria provided, single submitter. Criteria: Invitae Variant Classification Sherloc (09022015). Collection method: clinical testing. Allele origin: germline.
Comment: This variant has not been reported in the literature in individuals affected with DNAH5-related conditions. In summary, the available evidence is currently insufficient to determine the role of this variant in disease. Therefore, it has been classified as a Variant of Uncertain Significance. Advanced modeling of protein sequence and biophysical properties (such as structural, functional, and spatial information, amino acid conservation, physicochemical variation, residue mobility, and thermodynamic stability) performed at Invitae indicates that this missense variant is not expected to disrupt DNAH5 protein function. ClinVar contains an entry for this variant (Variation ID: 835593). This variant is not present in population databases (gnomAD no frequency). This sequence change replaces tyrosine, which is neutral and polar, with cysteine, which is neutral and slightly polar, at codon 4186 of the DNAH5 protein (p.Tyr4186Cys).

Natera, Inc.
Classification: Uncertain significance for Primary ciliary dyskinesia. Last evaluated: 2021-04-17. Review status: no assertion criteria provided. Collection method: clinical testing. Allele origin: germline. Not counted in ClinVar's aggregate classification.